The following is an entry in ClinVar:

ClinVar aggregate classification (germline): Uncertain significance. Review status: criteria provided, multiple submitters, no conflicts (2 of 4 stars). 4 submissions from 4 submitters: Uncertain significance (4). Last evaluated 2025-04-28.

Conditions:
Inborn genetic diseases. Identifiers: MedGen C0950123, MeSH D030342.

Allele frequency attached by ClinVar (database versions not stated): gnomAD 0.00004; TOPMed 0.00004; gnomAD exomes 0.00005 and 0.00006; ExAC 0.00007; ESP Exome Variant Server 0.00008.
gnomAD v4.1: 81 of 1,613,952 alleles (0.005%); highest among the groups gnomAD compares: Middle Eastern, 0.049%; 1 homozygote.

Submissions (4):

Labcorp Genetics (formerly Invitae), Labcorp
Classification: Uncertain significance. Last evaluated: 2025-04-28. Review status: criteria provided, single submitter. Criteria: Invitae Variant Classification Sherloc (09022015). Collection method: clinical testing. Allele origin: germline.
Comment: This sequence change replaces glutamine, which is neutral and polar, with proline, which is neutral and non-polar, at codon 1123 of the WDR62 protein (p.Gln1123Pro). This variant is present in population databases (rs144233940, gnomAD 0.009%). This variant has not been reported in the literature in individuals affected with WDR62-related conditions. ClinVar contains an entry for this variant (Variation ID: 586941). An algorithm developed to predict the effect of missense changes on protein structure and function (PolyPhen-2) suggests that this variant is likely to be tolerated. In summary, the available evidence is currently insufficient to determine the role of this variant in disease. Therefore, it has been classified as a Variant of Uncertain Significance.

Ambry Genetics
Classification: Uncertain significance for Inborn genetic diseases. Last evaluated: 2021-11-09. Review status: criteria provided, single submitter. Criteria: Ambry Variant Classification Scheme 2023. Collection method: clinical testing. Allele origin: germline.

Athena Diagnostics
Classification: Uncertain significance. Last evaluated: 2018-08-20. Review status: criteria provided, single submitter. Criteria: Athena Diagnostics Criteria. Collection method: clinical testing. Allele origin: germline.

Breakthrough Genomics
Classification: Uncertain significance. Review status: criteria provided, single submitter. Criteria: ACMG Guidelines, 2015. Collection method: not provided. Allele origin: germline. Inheritance: Autosomal dominant inheritance. Affected: yes.

NM_001083961.2(WDR62):c.3368A>C (p.Gln1123Pro)

Gene: WDR62 (WD repeat domain 62; plus strand). Cytogenetic location: 19q13.12.
Variant type: single nucleotide variant.
Coding change: c.3368A>C on transcript NM_001083961.2 (MANE Select); coding-DNA position 3368, A replaced by C.
Protein change: p.Gln1123Pro; replaces glutamine 1123 with proline.
Molecular consequence: missense variant.
Genome position (GRCh38, 1-based): chr19:36,102,980, A>C. VCF-style: chr19-36102980-A-C. GRCh37 (hg19) VCF-style: chr19-36593882-A-C.
Other names: c.3353A>C, p.Gln1118Pro (NM_173636.5); short protein forms Q1123P, Q1118P.
Identifiers: ClinVar variation 586941 (VCV000586941.11), dbSNP rs144233940, ClinGen allele CA9396264.
Genomic context (GRCh38, chr19:36,102,980, plus strand): 5'-ATCATCCCCCCTGCTCTCCTCCCCACAGGTTCACCCATACCTTCCCTCCCCGGGCAACCC[A>C]GTGCCTTGTGAAGTCTCCAGAGGTCAAGCTCATGGACCGAGGCGGAAGCCAGCCCAGAGC-3'
Protein context (NP_001077430.1, residues 1113-1133): FTHTFPPRAT[Gln1123Pro]CLVKSPEVKL